The following is an entry in ClinVar:

ClinVar aggregate classification (germline): Uncertain significance (1 of 4 stars; one submission).

gnomAD v4.1: 16 of 1,608,672 alleles (0.00099%); highest among the groups gnomAD compares: Non-Finnish European, 0.0013%; no homozygotes.

Submission:

Ambry Genetics
Classification: Uncertain significance. Last evaluated: 2024-11-23. Review status: criteria provided, single submitter. Criteria: Ambry Variant Classification Scheme 2023. Collection method: clinical testing. Allele origin: germline.
Comment: The p.A789V variant (also known as c.2366C>T), located in coding exon 10 of the WNK2 gene, results from a C to T substitution at nucleotide position 2366. The alanine at codon 789 is replaced by valine, an amino acid with similar properties. This amino acid position is conserved. In addition, this alteration is predicted to be tolerated by in silico analysis. Based on the available evidence, the clinical significance of this variant remains unclear.

NM_006648.4(WNK2):c.2366C>T (p.Ala789Val)

Gene: WNK2 (WNK lysine deficient protein kinase 2; plus strand). Cytogenetic location: 9q22.31.
Variant type: single nucleotide variant.
Coding change: c.2366C>T on transcript NM_006648.4 (MANE Select); coding-DNA position 2366, C replaced by T.
Protein change: p.Ala789Val; replaces alanine 789 with valine.
Molecular consequence: missense variant.
Genome position (GRCh38, 1-based): chr9:93,257,123, C>T. VCF-style: chr9-93257123-C-T. GRCh37 (hg19) VCF-style: chr9-96019405-C-T.
Other names: c.2366C>T, p.Ala789Val (NM_001282394.3); short protein forms A789V.
Identifiers: ClinVar variation 3470339 (VCV003470339.1).